The following is an entry in ClinVar:

ClinVar aggregate classification (germline): Likely pathogenic (1 of 4 stars; one submission).

Conditions:
Primary ciliary dyskinesia 3. Identifiers: Orphanet 244, MedGen C1837618, MONDO:0012085, OMIM 608644.

gnomAD v4.1: 1 of 1,614,064 alleles (0.000062%); highest among the groups gnomAD compares: Non-Finnish European, 0.000085%; no homozygotes.

Submission:

Myriad Genetics, Inc.
Classification: Likely pathogenic for Primary ciliary dyskinesia 3. Last evaluated: 2022-04-04. Review status: criteria provided, single submitter. Criteria: Myriad Women's Health Autosomal Recessive and X-Linked Classification Criteria (2021). Collection method: clinical testing. Allele origin: unknown.
Comment: NM_001369.2(DNAH5):c.8743C>T(Q2915*) is expected to be pathogenic in the context of DNAH5-related primary ciliary dyskinesia. This variant is predicted to lead to an abnormal or absent protein product due to the creation of a premature termination codon in DNAH5, a gene where loss-of-function variants are known to be pathogenic. Please note: this variant was assessed in the context of healthy population screening.

NM_001369.3(DNAH5):c.8743C>T (p.Gln2915Ter)

Gene: DNAH5 (dynein axonemal heavy chain 5; minus strand). Cytogenetic location: 5p15.2.
Variant type: single nucleotide variant.
Coding change: c.8743C>T on transcript NM_001369.3 (MANE Select); coding-DNA position 8743, C replaced by T.
Protein change: p.Gln2915Ter; replaces glutamine 2915 with a stop codon.
Molecular consequence: nonsense.
Genome position (GRCh38, 1-based): chr5:13,786,256, G>A on the plus strand (C>T on the coding strand, the complement: DNAH5 is on the minus strand). VCF-style: chr5-13786256-G-A. GRCh37 (hg19) VCF-style: chr5-13786365-G-A.
Other names: short protein forms Q2915*.
Identifiers: ClinVar variation 1725854 (VCV001725854.2), dbSNP rs2546713117, ClinGen allele CA359215263.
Genomic context (GRCh38, chr5:13,786,256, plus strand): 5'-TGGCATCTGCAAAGAACACCATGTCCATGCCGGCGCCACGGATGCTCTCATTATAGAGCT[G>A]CAGGAACATATTCAGACGCTCTTTTAGGTGACTAAAAGATTCAATTGGCTCATAAATTTT-3'